The following is an entry in ClinVar:

ClinVar aggregate classification (germline): Uncertain significance (1 of 4 stars; one submission).

Submission:

Labcorp Genetics (formerly Invitae), Labcorp
Classification: Uncertain significance. Last evaluated: 2025-09-04. Review status: criteria provided, single submitter. Criteria: Invitae Variant Classification Sherloc (09022015). Collection method: clinical testing. Allele origin: germline.
Comment: This sequence change replaces glutamic acid, which is acidic and polar, with aspartic acid, which is acidic and polar, at codon 204 of the TRIM8 protein (p.Glu204Asp). This variant is not present in population databases (gnomAD no frequency). This variant has not been reported in the literature in individuals affected with TRIM8-related conditions. An algorithm developed to predict the effect of missense changes on protein structure and function (PolyPhen-2) suggests that this variant is likely to be tolerated. In summary, the available evidence is currently insufficient to determine the role of this variant in disease. Therefore, it has been classified as a Variant of Uncertain Significance.

NM_030912.3(TRIM8):c.612G>T (p.Glu204Asp)

Gene: TRIM8 (tripartite motif containing 8; plus strand). Cytogenetic location: 10q24.32.
Variant type: single nucleotide variant.
Coding change: c.612G>T on transcript NM_030912.3 (MANE Select); coding-DNA position 612, G replaced by T.
Protein change: p.Glu204Asp; replaces glutamic acid 204 with aspartic acid.
Molecular consequence: missense variant. On other transcripts: non-coding transcript variant (1), intron variant (1).
Genome position (GRCh38, 1-based): chr10:102,654,694, G>T. VCF-style: chr10-102654694-G-T. GRCh37 (hg19) VCF-style: chr10-104414451-G-T.
Other names: c.571-386G>T (NM_001345950.1); short protein forms E204D.
Identifiers: ClinVar variation 4726624 (VCV004726624.1).
Genomic context (GRCh38, chr10:102,654,694, plus strand): 5'-CACCCAAATGTCCCTGCAGAAGATGCTCATGAAGCAGCAGGACCGGCTGGAGGAGCGAGA[G>T]CAGGACATTGAGGACCAGCTGTACAAACTCGAGTCAGACAAGCGCCTGGTGGAGGTAGCT-3'
Protein context (NP_112174.2, residues 194-214): MKQQDRLEER[Glu204Asp]QDIEDQLYKL